The following is an entry in ClinVar:

NM_006495.4(EVI2B):c.-21-16T>G

Genes: EVI2B (ecotropic viral integration site 2B; minus strand), NF1 (neurofibromin 1; plus strand). Cytogenetic location: 17q11.2.
Variant type: single nucleotide variant.
Coding change: c.-21-16T>G on transcript NM_006495.4 (MANE Select); 16 bases into the intron before 21 bases upstream of the start codon, T replaced by G.
Molecular consequence: intron variant.
Genome position (GRCh38, 1-based): chr17:31,305,646, A>C on the plus strand (T>G on the coding strand, the complement: EVI2B is on the minus strand). VCF-style: chr17-31305646-A-C. GRCh37 (hg19) VCF-style: chr17-29632664-A-C.
Other names: NC_000017.10:g.29632664A>C; c.4836-20174A>C (NM_001042492.3); c.4773-20174A>C (NM_000267.4).
Identifiers: ClinVar variation 4419710 (VCV004419710.3).

ClinVar aggregate classification (germline): Benign (1 of 4 stars; one submission).

gnomAD v4.1: 2,713 of 1,570,802 alleles (0.17%); highest among the groups gnomAD compares: African/African-American, 3.3%; 41 homozygotes.

Submissions (3):

Dasa
Classification: Benign. Last evaluated: 2026-04-21. Review status: criteria provided, single submitter. Criteria: DASA Assertion Criteria. Collection method: clinical testing. Allele origin: germline.
Comment: NM_001042492.3(NF1):c.4836-20174A>C is an intronic variant. Population frequency is inconsistent with a disease-causing role for this variant, observations in unaffected individuals support a benign interpretation, and the variant context is inconsistent with a known disease-causing mechanism. Therefore, based on the currently available evidence, this variant is classified as benign.

Dr. Peter K. Rogan Lab, Western University
No classification provided (evidence only). Condition: Gastric cancer. Review status: no classification provided. Collection method: in vitro. Allele origin: not applicable. Functional consequence: retained intron. Not counted in ClinVar's aggregate classification.

Dr. Peter K. Rogan Lab, Western University
No classification provided (evidence only). Condition: Gastric cancer. Review status: no classification provided. Collection method: in vitro. Allele origin: not applicable. Functional consequence: retained intron. Not counted in ClinVar's aggregate classification.